The following is an entry in ClinVar:

ClinVar aggregate classification (germline): Uncertain significance (1 of 4 stars; one submission).

gnomAD v4.1: 38 of 1,613,548 alleles (0.0024%); highest among the groups gnomAD compares: Non-Finnish European, 0.0027%; no homozygotes.

Submission:

Labcorp Genetics (formerly Invitae), Labcorp
Classification: Uncertain significance. Last evaluated: 2025-09-24. Review status: criteria provided, single submitter. Criteria: Invitae Variant Classification Sherloc (09022015). Collection method: clinical testing. Allele origin: germline.
Comment: This sequence change replaces phenylalanine, which is neutral and non-polar, with isoleucine, which is neutral and non-polar, at codon 1252 of the IGSF10 protein (p.Phe1252Ile). This variant is present in population databases (rs199978965, gnomAD 0.0009%). This variant has not been reported in the literature in individuals affected with IGSF10-related conditions. An algorithm developed to predict the effect of missense changes on protein structure and function (PolyPhen-2) suggests that this variant is likely to be tolerated. In summary, the available evidence is currently insufficient to determine the role of this variant in disease. Therefore, it has been classified as a Variant of Uncertain Significance.

NM_178822.5(IGSF10):c.3754T>A (p.Phe1252Ile)

Gene: IGSF10 (immunoglobulin superfamily member 10; minus strand). Cytogenetic location: 3q25.1.
Variant type: single nucleotide variant.
Coding change: c.3754T>A on transcript NM_178822.5 (MANE Select); coding-DNA position 3754, T replaced by A.
Protein change: p.Phe1252Ile; replaces phenylalanine 1252 with isoleucine.
Molecular consequence: missense variant.
Genome position (GRCh38, 1-based): chr3:151,446,227, A>T on the plus strand (T>A on the coding strand, the complement: IGSF10 is on the minus strand). VCF-style: chr3-151446227-A-T. GRCh37 (hg19) VCF-style: chr3-151164015-A-T.
Other names: c.3754T>A, p.Phe1252Ile (NM_001385060.1, NM_001385061.1, NM_001385062.1 and 1 more transcripts); short protein forms F1252I.
Identifiers: ClinVar variation 4706345 (VCV004706345.1).